The following is an entry in ClinVar:

ClinVar aggregate classification (germline): Conflicting classifications of pathogenicity. Review status: criteria provided, conflicting classifications (1 of 4 stars). 2 submissions from 2 submitters: Uncertain significance (1); Likely benign (1). Last evaluated 2026-03-25.

Conditions:
Ullrich congenital muscular dystrophy 2 (UCMD2). Identifiers: Orphanet 75840, MedGen C4225314, MONDO:0014654, OMIM 616470.
Bethlem myopathy 2 (BTHLM2). Identifiers: Orphanet 536516, Orphanet 610, MedGen C4225313, MONDO:0034022, OMIM 616471.

Allele frequency attached by ClinVar (database versions not stated): gnomAD below 0.00001 and 0.00001; gnomAD exomes 0.00001 and 0.00002; ExAC 0.00002; TOPMed 0.00002.
gnomAD v4.1: 23 of 1,613,858 alleles (0.0014%); highest among the groups gnomAD compares: South Asian, 0.012%; no homozygotes.

Submissions (2):

GeneDx
Classification: Uncertain significance. Last evaluated: 2026-03-25. Review status: criteria provided, single submitter. Criteria: GeneDx Variant Classification Process June 2021. Collection method: clinical testing. Allele origin: germline.
Comment: In silico analysis suggests that this missense variant does not alter protein structure/function; Has not been previously published as pathogenic or benign to our knowledge

Labcorp Genetics (formerly Invitae), Labcorp
Classification: Likely benign for Bethlem myopathy 2; Ullrich congenital muscular dystrophy 2. Last evaluated: 2022-10-21. Review status: criteria provided, single submitter. Criteria: Invitae Variant Classification Sherloc (09022015). Collection method: clinical testing. Allele origin: germline.

NM_004370.6(COL12A1):c.2798G>A (p.Arg933His)

Gene: COL12A1 (collagen type XII alpha 1 chain; minus strand). Cytogenetic location: 6q13.
Variant type: single nucleotide variant.
Coding change: c.2798G>A on transcript NM_004370.6 (MANE Select); coding-DNA position 2798, G replaced by A.
Protein change: p.Arg933His; replaces arginine 933 with histidine.
Molecular consequence: missense variant. On other transcripts: intron variant (1).
Genome position (GRCh38, 1-based): chr6:75,165,692, C>T on the plus strand (G>A on the coding strand, the complement: COL12A1 is on the minus strand). VCF-style: chr6-75165692-C-T. GRCh37 (hg19) VCF-style: chr6-75875408-C-T.
Other names: c.74-13210G>A (NM_080645.3); short protein forms R933H.
Identifiers: ClinVar variation 665157 (VCV000665157.11), dbSNP rs779848906, ClinGen allele CA3893872.